The following is an entry in ClinVar:

NM_001365999.1(SZT2):c.3601A>G (p.Asn1201Asp)

Gene: SZT2 (SZT2 subunit of KICSTOR complex; plus strand). Cytogenetic location: 1p34.2.
Variant type: single nucleotide variant.
Coding change: c.3601A>G on transcript NM_001365999.1 (MANE Select); coding-DNA position 3601, A replaced by G.
Protein change: p.Asn1201Asp; replaces asparagine 1201 with aspartic acid.
Molecular consequence: missense variant.
Genome position (GRCh38, 1-based): chr1:43,427,532, A>G. VCF-style: chr1-43427532-A-G. GRCh37 (hg19) VCF-style: chr1-43893203-A-G.
Other names: c.3430A>G, p.Asn1144Asp (NM_015284.4); c.3430A>G (NM_015284.3); short protein forms N1201D, N1144D.
Identifiers: ClinVar variation 1428261 (VCV001428261.6), dbSNP rs772224442, ClinGen allele CA809047.

ClinVar aggregate classification (germline): Uncertain significance. Review status: criteria provided, multiple submitters, no conflicts (2 of 4 stars). 2 submissions from 2 submitters: Uncertain significance (2). Last evaluated 2025-03-26.

Conditions:
Inborn genetic diseases. Identifiers: MedGen C0950123, MeSH D030342.

Allele frequency attached by ClinVar (database versions not stated): ExAC 0.00002; gnomAD exomes 0.00002 and 0.00001; gnomAD 0.00001; TOPMed 0.00002.
gnomAD v4.1: 9 of 1,614,110 alleles (0.00056%); highest among the groups gnomAD compares: African/African-American, 0.0013%; no homozygotes.

Submissions (2):

Ambry Genetics
Classification: Uncertain significance for Inborn genetic diseases. Last evaluated: 2025-03-26. Review status: criteria provided, single submitter. Criteria: Ambry Variant Classification Scheme 2023. Collection method: clinical testing. Allele origin: germline.

Labcorp Genetics (formerly Invitae), Labcorp
Classification: Uncertain significance. Last evaluated: 2021-09-01. Review status: criteria provided, single submitter. Criteria: Invitae Variant Classification Sherloc (09022015). Collection method: clinical testing. Allele origin: germline.
Comment: This sequence change replaces asparagine with aspartic acid at codon 1144 of the SZT2 protein (p.Asn1144Asp). The asparagine residue is weakly conserved and there is a small physicochemical difference between asparagine and aspartic acid. This variant is present in population databases (rs772224442, ExAC 0.003%). This variant has not been reported in the literature in individuals affected with SZT2-related conditions. Algorithms developed to predict the effect of missense changes on protein structure and function (SIFT, PolyPhen-2, Align-GVGD) all suggest that this variant is likely to be tolerated. In summary, the available evidence is currently insufficient to determine the role of this variant in disease. Therefore, it has been classified as a Variant of Uncertain Significance.